The following is an entry in ClinVar:

NM_002693.3(POLG):c.851T>C (p.Ile284Thr)

Gene: POLG (DNA polymerase gamma, catalytic subunit; minus strand). Cytogenetic location: 15q26.1.
Variant type: single nucleotide variant.
Coding change: c.851T>C on transcript NM_002693.3 (MANE Select); coding-DNA position 851, T replaced by C.
Protein change: p.Ile284Thr; replaces isoleucine 284 with threonine.
Molecular consequence: missense variant.
Genome position (GRCh38, 1-based): chr15:89,330,085, A>G on the plus strand (T>C on the coding strand, the complement: POLG is on the minus strand). VCF-style: chr15-89330085-A-G. GRCh37 (hg19) VCF-style: chr15-89873316-A-G.
Other names: c.851T>C, p.Ile284Thr (NM_001126131.2); short protein forms I284T.
Identifiers: ClinVar variation 1298636 (VCV001298636.42), dbSNP rs2055574542, ClinGen allele CA393766524.

ClinVar aggregate classification (germline): Uncertain significance. Review status: criteria provided, multiple submitters, no conflicts (2 of 4 stars). 2 submissions from 2 submitters: Uncertain significance (2). Last evaluated 2026-09-01.

Conditions:
Progressive sclerosing poliodystrophy (MTDPS4A). Also called: Alpers Syndrome; ALPERS DIFFUSE DEGENERATION OF CEREBRAL GRAY MATTER WITH HEPATIC CIRRHOSIS; NEURONAL DEGENERATION OF CHILDHOOD WITH LIVER DISEASE, PROGRESSIVE; Alpers-Huttenlocher Syndrome; Alpers-Huttenlocher Syndrome (AHS); Mitochondrial DNA depletion syndrome 4A (Alpers type). Identifiers: Orphanet 726, MedGen C0205710, MONDO:0008758, OMIM 203700.

Allele frequency attached by ClinVar (database versions not stated): gnomAD 0.00001; TOPMed 0.00002.

Submissions (2):

CeGaT Center for Human Genetics Tuebingen
Classification: Uncertain significance. Last evaluated: 2026-09-01. Review status: criteria provided, single submitter. Criteria: CeGaT Center For Human Genetics Tuebingen Variant Classification Criteria Version 2. Collection method: clinical testing. Allele origin: germline. Affected: yes. Observed: 2 variant alleles.
Comment: POLG: PM2

Labcorp Genetics (formerly Invitae), Labcorp
Classification: Uncertain significance for Progressive sclerosing poliodystrophy. Last evaluated: 2021-07-05. Review status: criteria provided, single submitter. Criteria: Invitae Variant Classification Sherloc (09022015). Collection method: clinical testing. Allele origin: germline.
Comment: This sequence change replaces isoleucine with threonine at codon 284 of the POLG protein (p.Ile284Thr). The isoleucine residue is moderately conserved and there is a moderate physicochemical difference between isoleucine and threonine. This variant is not present in population databases (ExAC no frequency). This variant has not been reported in the literature in individuals affected with POLG-related conditions. Algorithms developed to predict the effect of missense changes on protein structure and function (SIFT, PolyPhen-2, Align-GVGD) all suggest that this variant is likely to be tolerated. In summary, the available evidence is currently insufficient to determine the role of this variant in disease. Therefore, it has been classified as a Variant of Uncertain Significance.